The following is an entry in ClinVar:

ClinVar aggregate classification (germline): Pathogenic (1 of 4 stars; one submission).

Submission:

Labcorp Genetics (formerly Invitae), Labcorp
Classification: Pathogenic. Last evaluated: 2024-08-30. Review status: criteria provided, single submitter. Criteria: Invitae Variant Classification Sherloc (09022015). Collection method: clinical testing. Allele origin: germline.
Comment: This sequence change creates a premature translational stop signal (p.Gly797Glufs*2) in the MERTK gene. It is expected to result in an absent or disrupted protein product. Loss-of-function variants in MERTK are known to be pathogenic (PMID: 24265693, 29659094). This variant is not present in population databases (gnomAD no frequency). This variant has not been reported in the literature in individuals affected with MERTK-related conditions. ClinVar contains an entry for this variant (Variation ID: 1070953). For these reasons, this variant has been classified as Pathogenic.

Literature cited by the submitters: PubMed 24265693; PubMed 29659094.

NM_006343.3(MERTK):c.2390del (p.Gly797fs)

Gene: MERTK (MER proto-oncogene, tyrosine kinase; plus strand). Cytogenetic location: 2q13.
Variant type: Deletion.
Coding change: c.2390del on transcript NM_006343.3 (MANE Select); coding-DNA position 2390, one base deleted (G; older notation c.2390delG).
Protein change: p.Gly797fs; shifts the reading frame from glycine 797.
Molecular consequence: frameshift variant.
Genome position (GRCh38, 1-based): chr2:112,022,298, G deleted; the last of 4 consecutive G bases (chr2:112,022,295-112,022,298); deleting any one gives the same sequence. VCF-style (leftmost placement, unchanged base first): chr2-112022294-CG-C. GRCh37 (hg19) VCF-style: chr2-112779871-CG-C.
Other names: short protein forms G797fs.
Identifiers: ClinVar variation 1070953 (VCV001070953.7), dbSNP rs1677368092, ClinGen allele CA1035053993.